The following is an entry in ClinVar:

ClinVar aggregate classification (germline): Uncertain significance (1 of 4 stars; one submission).

Conditions:
CFI-related disorder. Also called: CFI-related condition; CFI-related disorders. Identifiers: MedGen CN239325.

Submission:

Genomenon, Inc
Classification: Uncertain significance for CFI-related disorder. Last evaluated: 2025-09-26. Review status: criteria provided, single submitter. Criteria: Genomenon Sequence Variant Interpretation Standards - Updated. Collection method: curation. Allele origin: germline. Affected: no.
Comment: CFI p.Ala210Ser (c.628G>T) is a missense variant that changes the amino acid at residue 210 from Alanine to Serine. This variant has been reported in the published literature (PMID:37615951). It is absent or not present at a significant frequency in gnomAD. In conclusion, we classify CFI p.Ala210Ser (c.628G>T) as a variant of unknown significance.

Literature cited by the submitters: PubMed 37615951.

NM_000204.5(CFI):c.628G>T (p.Ala210Ser)

Gene: CFI (complement factor I; minus strand). Cytogenetic location: 4q25.
Variant type: single nucleotide variant.
Coding change: c.628G>T on transcript NM_000204.5 (MANE Select); coding-DNA position 628, G replaced by T.
Protein change: p.Ala210Ser; replaces alanine 210 with serine.
Molecular consequence: missense variant. On other transcripts: non-coding transcript variant (3).
Genome position (GRCh38, 1-based): chr4:109,761,547, C>A on the plus strand (G>T on the coding strand, the complement: CFI is on the minus strand). VCF-style: chr4-109761547-C-A. GRCh37 (hg19) VCF-style: chr4-110682703-C-A.
Other names: c.628G>T, p.Ala210Ser (NM_001318057.2, NM_001331035.2, NM_001375278.1 and 10 more transcripts); c.19G>T, p.Ala7Ser (NM_001375284.1); short protein forms A210S, A7S.
Identifiers: ClinVar variation 4280427 (VCV004280427.1).